The following is an entry in ClinVar:

ClinVar aggregate classification (germline): Uncertain significance (0 of 4 stars; one submission).

Conditions:
PTPRJ-related disorder. Also called: PTPRJ-related condition.

Allele frequency attached by ClinVar (database versions not stated): gnomAD exomes below 0.00001.
gnomAD v4.1: 7 of 1,613,960 alleles (0.00043%); highest among the groups gnomAD compares: Middle Eastern, 0.049%; no homozygotes.

Submission:

PreventionGenetics, part of Exact Sciences
Classification: Uncertain significance for PTPRJ-related condition. Last evaluated: 2024-02-07. Review status: no assertion criteria provided. Collection method: clinical testing. Allele origin: germline.
Comment: The PTPRJ c.3776T>C variant is predicted to result in the amino acid substitution p.Ile1259Thr. To our knowledge, this variant has not been reported in the literature. This variant is reported in 0.0033% of alleles in individuals of South Asian descent in gnomAD. At this time, the clinical significance of this variant is uncertain due to the absence of conclusive functional and genetic evidence.

NM_002843.4(PTPRJ):c.3776T>C (p.Ile1259Thr)

Gene: PTPRJ (protein tyrosine phosphatase receptor type J; plus strand). Cytogenetic location: 11p11.2.
Variant type: single nucleotide variant.
Coding change: c.3776T>C on transcript NM_002843.4 (MANE Select); coding-DNA position 3776, T replaced by C.
Protein change: p.Ile1259Thr; replaces isoleucine 1259 with threonine.
Molecular consequence: missense variant.
Genome position (GRCh38, 1-based): chr11:48,164,436, T>C. VCF-style: chr11-48164436-T-C. GRCh37 (hg19) VCF-style: chr11-48185988-T-C.
Other names: short protein forms I1259T.
Identifiers: ClinVar variation 3061200 (VCV003061200.2), dbSNP rs1190422297, ClinGen allele CA380391196.